The following is an entry in ClinVar:

ClinVar aggregate classification (germline): Uncertain significance (1 of 4 stars; one submission).

gnomAD v4.1: 8 of 1,608,162 alleles (0.0005%); highest among the groups gnomAD compares: African/African-American, 0.0053%; no homozygotes.

Submission:

GeneDx
Classification: Uncertain significance. Last evaluated: 2024-06-23. Review status: criteria provided, single submitter. Criteria: GeneDx Variant Classification Process June 2021. Collection method: clinical testing. Allele origin: germline. Affected: yes.
Comment: Not observed at significant frequency in large population cohorts (gnomAD); In silico analysis supports that this missense variant has a deleterious effect on protein structure/function; This variant is associated with the following publications: (PMID: 37484962)

NM_001040716.2(PC):c.152G>A (p.Arg51His)

Gene: PC (pyruvate carboxylase; minus strand). Cytogenetic location: 11q13.2.
Variant type: single nucleotide variant.
Coding change: c.152G>A on transcript NM_001040716.2 (MANE Select); coding-DNA position 152, G replaced by A.
Protein change: p.Arg51His; replaces arginine 51 with histidine.
Molecular consequence: missense variant.
Genome position (GRCh38, 1-based): chr11:66,871,856, C>T on the plus strand (G>A on the coding strand, the complement: PC is on the minus strand). VCF-style: chr11-66871856-C-T. GRCh37 (hg19) VCF-style: chr11-66639327-C-T.
Other names: c.152G>A, p.Arg51His (NM_000920.4, NM_022172.3); short protein forms R51H.
Identifiers: ClinVar variation 3391739 (VCV003391739.1).
Genomic context (GRCh38, chr11:66,871,856, plus strand): 5'-TCCTGCTCAGAGTAGATGGCTACGGTGCGGATGCCCAGCTCCGTGCAGGCCCGGAACACA[C>T]GGATGGCAATCTCACCTAGAGGGCAAAGAAACAAGAAGTTAGATTCCTAGGTCCTAGGAG-3'
Protein context (NP_001035806.1, residues 41-61): MVANRGEIAI[Arg51His]VFRACTELGI